The following is an entry in ClinVar:

ClinVar aggregate classification (germline): Uncertain significance (1 of 4 stars; one submission).

Conditions:
Cardiovascular phenotype. Identifiers: MedGen CN230736.

Submission:

Ambry Genetics
Classification: Uncertain significance for Cardiovascular phenotype. Last evaluated: 2023-01-01. Review status: criteria provided, single submitter. Criteria: Ambry Variant Classification Scheme 2023. Collection method: clinical testing. Allele origin: germline.
Comment: The p.S1297G variant (also known as c.3889A>G), located in coding exon 23 of the SOS1 gene, results from an A to G substitution at nucleotide position 3889. The serine at codon 1297 is replaced by glycine, an amino acid with similar properties. This amino acid position is conserved. In addition, the in silico prediction for this alteration is inconclusive. Since supporting evidence is limited at this time, the clinical significance of this alteration remains unclear.

NM_005633.4(SOS1):c.3889A>G (p.Ser1297Gly)

Gene: SOS1 (SOS Ras/Rac guanine nucleotide exchange factor 1; minus strand). Cytogenetic location: 2p22.1.
Variant type: single nucleotide variant.
Coding change: c.3889A>G on transcript NM_005633.4 (MANE Select); coding-DNA position 3889, A replaced by G.
Protein change: p.Ser1297Gly; replaces serine 1297 with glycine.
Molecular consequence: missense variant.
Genome position (GRCh38, 1-based): chr2:38,985,937, T>C on the plus strand (A>G on the coding strand, the complement: SOS1 is on the minus strand). VCF-style: chr2-38985937-T-C. GRCh37 (hg19) VCF-style: chr2-39213078-T-C.
Other names: c.3868A>G, p.Ser1290Gly (NM_001382394.1); c.3844A>G, p.Ser1282Gly (NM_001382395.1); short protein forms S1290G, S1297G, S1282G.
Identifiers: ClinVar variation 2453697 (VCV002453697.2), dbSNP rs2528869520, ClinGen allele CA346362109.